The following is an entry in ClinVar:

NM_000138.5(FBN1):c.6388G>A (p.Glu2130Lys)

Gene: FBN1 (fibrillin 1; minus strand). Cytogenetic location: 15q21.1.
Variant type: single nucleotide variant.
Coding change: c.6388G>A on transcript NM_000138.5 (MANE Select); coding-DNA position 6388, G replaced by A.
Protein change: p.Glu2130Lys; replaces glutamic acid 2130 with lysine.
Molecular consequence: missense variant.
Genome position (GRCh38, 1-based): chr15:48,437,069, C>T on the plus strand (G>A on the coding strand, the complement: FBN1 is on the minus strand). VCF-style: chr15-48437069-C-T. GRCh37 (hg19) VCF-style: chr15-48729266-C-T.
Other names: p.E2130K:GAA>AAA; short protein forms E2130K.
Identifiers: ClinVar variation 200191 (VCV000200191.55), dbSNP rs794728334, ClinGen allele CA016399.

ClinVar aggregate classification (germline): Pathogenic/Likely pathogenic. Review status: criteria provided, multiple submitters, no conflicts (2 of 4 stars). 18 submissions from 18 submitters: Pathogenic (12); Likely pathogenic (5). 1 of the submissions does not count toward it. Last evaluated 2025-12-24.

Conditions:
MASS syndrome (OCTD). Also called: OVERLAP CONNECTIVE TISSUE DISEASE; MASS PHENOTYPE. Identifiers: MedGen C1858556, MONDO:0011431, OMIM 604308.
Marfan syndrome (MFS). Also called: Marfan syndrome, classic; FBN1-Related Marfan Syndrome; MARFAN SYNDROME, TYPE I; Marfan syndrome type 1; Marfan's syndrome. Identifiers: Orphanet 284963, Orphanet 558, MedGen C0024796, MONDO:0007947, OMIM 154700.
Ectopia lentis 1, isolated, autosomal dominant (ECTOL1). Identifiers: Orphanet 1885, MedGen C3541518, MONDO:0007514, OMIM 129600.
Stiff skin syndrome (SSKS). Identifiers: Orphanet 2833, MedGen C1861456, MONDO:0008492, OMIM 184900.
Weill-Marchesani syndrome 2, dominant. Also called: FBN1-Related Weill-Marchesani Syndrome; Weill-Marchesani Syndrome, Autosomal Dominant. Identifiers: Orphanet 2084, MedGen C1869115, MONDO:0012013, OMIM 608328.
Acromicric dysplasia (ACMICD). Also called: Acromicric skeletal dysplasia. Identifiers: Orphanet 969, MedGen C0265287, MONDO:0007055, OMIM 102370.
Geleophysic dysplasia 2 (GPHYSD2). Identifiers: Orphanet 2623, MedGen C3280054, MONDO:0013612, OMIM 614185.
Progeroid and marfanoid aspect-lipodystrophy syndrome. Also called: MARFANOID-PROGEROID SYNDROME; MARFAN-PROGEROID-LIPODYSTROPHY SYNDROME; Marfan lipodystrophy syndrome; MARFANOID-PROGEROID-LIPODYSTROPHY SYNDROME. Identifiers: Orphanet 300382, MedGen C4310796, MONDO:0014831, OMIM 616914.
Thoracic aortic aneurysm or dissection.
Cardiovascular phenotype. Identifiers: MedGen CN230736.
Familial thoracic aortic aneurysm and aortic dissection (TAAD). Also called: Thoracic aortic aneurysms and dissections. Identifiers: Orphanet 91387, MedGen C4707243, MONDO:0019625.
FBN1-related disorder. Also called: FBN1-related disorders.

Submissions 1 to 10 of 18:

Petrovsky National Research Centre of Surgery, The Federal Agency for Scientific Organizations
Classification: Pathogenic for Marfan syndrome. Last evaluated: 2025-12-24. Review status: criteria provided, single submitter. Criteria: ACMG Guidelines, 2015. Collection method: clinical testing. Allele origin: germline. Affected: yes. Observed: 1 variant allele.
Comment: The variant is not in The Genome Aggregation Database (gnomAD) v4.1.0. (Date of access 2025-12-24). In accordance with ACMG (2015) criteria this variant is classified as Pathogenic with following criteria selected: PS4, PM2, PP3, PM1_Strong, PP1.

GeneDx
Classification: Likely pathogenic. Last evaluated: 2025-10-30. Review status: criteria provided, single submitter. Criteria: GeneDx Variant Classification Process June 2021. Collection method: clinical testing. Allele origin: germline. Affected: yes.
Comment: Not observed at significant frequency in large population cohorts (gnomAD); In silico analysis supports that this missense variant has a deleterious effect on protein structure/function; This variant is associated with the following publications: (PMID: 17253931, 18435798, 19533785, 19293843, 17663468, 26684006, 31098894, 27234404, 20093880, 27382335, 27582083, 28098115, 30870686, 29845260, 31825148, 39830211, 32209317, 35058154, 37625564, 38958168, 34916231, 20591885, 40055687, 34456093, 32679894, 39790143, 36729443)

NHS Central & South Genomic Laboratory Hub
Classification: Pathogenic for Thoracic aortic aneurysm or dissection. Last evaluated: 2025-09-25. Review status: criteria provided, single submitter. Criteria: ACMG Guidelines, 2015. Collection method: clinical testing. Allele origin: germline. Affected: yes.

Variantyx, Inc.
Classification: Likely pathogenic for Marfan syndrome. Last evaluated: 2025-08-19. Review status: criteria provided, single submitter. Criteria: Variantyx Assertion Criteria 2022. Collection method: clinical testing. Allele origin: de novo. Inheritance: Autosomal dominant inheritance. Affected: yes.
Comment: This is a nonsynonymous variant in the FBN1 gene (OMIM: 134797). Pathogenic variants in this gene have been associated with autosomal dominant Marfan syndrome. This variant has been reported in several unrelated affected individuals (PMID: 17253931, 29845260, 28098115, 31825148, 32209317) (PS4), and likely occurred de novo in these individuals; however, the possibility of parental germline mosaicism cannot be excluded (PMID: 36729443) (PS2_Moderate). Multiple computational algorithms predict a deleterious effect for this variant (REVEL score: 0.974) (PP3). It is absent from control populations (PM2). Based on the current evidence, this variant is classified as likely pathogenic for autosomal dominant Marfan syndrome.

Labcorp Genetics (formerly Invitae), Labcorp
Classification: Pathogenic for Marfan syndrome; Familial thoracic aortic aneurysm and aortic dissection. Last evaluated: 2025-02-19. Review status: criteria provided, single submitter. Criteria: Invitae Variant Classification Sherloc (09022015). Collection method: clinical testing. Allele origin: germline.
Comment: This sequence change replaces glutamic acid, which is acidic and polar, with lysine, which is basic and polar, at codon 2130 of the FBN1 protein (p.Glu2130Lys). This variant is not present in population databases (gnomAD no frequency). This missense change has been observed in individual(s) with Marfan syndrome (PMID: 17253931, 19293843, 19533785, 28098115; internal data). It has also been observed to segregate with disease in related individuals. ClinVar contains an entry for this variant (Variation ID: 200191). Invitae Evidence Modeling of protein sequence and biophysical properties (such as structural, functional, and spatial information, amino acid conservation, physicochemical variation, residue mobility, and thermodynamic stability) indicates that this missense variant is expected to disrupt FBN1 protein function with a positive predictive value of 95%. For these reasons, this variant has been classified as Pathogenic.

Department of Clinical Genetics, Copenhagen University Hospital, Rigshospitalet
Classification: Pathogenic for Marfan syndrome. Last evaluated: 2024-09-06. Review status: criteria provided, single submitter. Criteria: ACMG Guidelines, 2015. Collection method: clinical testing. Allele origin: germline.
Comment: PS4_Str, PP3_Str, PM1_M, PM2_Sup, PP2_Sup

Molecular Diagnostic Laboratory for Inherited Cardiovascular Disease, Montreal Heart Institute
Classification: Pathogenic for Cardiovascular phenotype. Last evaluated: 2024-05-10. Review status: criteria provided, single submitter. Criteria: ACMG Guidelines, 2015. Collection method: clinical testing. Allele origin: germline. Affected: yes.
Comment: PS4, PM1, PM2, PP1_mod, PP2, PP3, PP4, PP5

Ambry Genetics
Classification: Pathogenic for Familial thoracic aortic aneurysm and aortic dissection. Last evaluated: 2024-04-06. Review status: criteria provided, single submitter. Criteria: Ambry Variant Classification Scheme 2023. Collection method: clinical testing. Allele origin: germline.
Comment: The p.E2130K pathogenic mutation (also known as c.6388G>A), located in coding exon 52 of the FBN1 gene, results from a G to A substitution at nucleotide position 6388. The glutamic acid at codon 2130 is replaced by lysine, an amino acid with similar properties and is located in the cbEGF-like #32 domain. This variant has been reported in individuals with Marfan syndrome (Tjeldhorn L et al. Genet Test, 2006;10:258-64; Rand-Hendriksen S et al. Am J Med Genet A, 2007 Sep;143A:1968-77; Attanasio M et al. Clin Genet, 2008 Jul;74:39-46; Chung BH et al. Am J Med Genet A, 2009 Jul;149A:1452-9; Stheneur C et al. Eur J Hum Genet, 2009 Sep;17:1121-8; Al-Haggar M et al. Saudi J Kidney Dis Transpl;28:141-148; Arnaud P et al. J Med Genet, 2017 02;54:100-103; Zhang M et al. Mol Med Rep, 2018 Jul;18:877-881; Li J et al. Sci China Life Sci, 2019 Dec;62:1630-1637; Stark VC et al. Genes (Basel), 2020 Jul;11:[ePub ahead of print]; Duan DM et al. J Formos Med Assoc, 2022 Jun;121:1093-1101). This variant alters a conserved residue in the calcium-binding consensus sequence of a cbEGF domain and is expected to disrupt FBN1 function (Handford PA et al. Nature. 1991; 351(6322):164-7). In addition, this alteration is predicted to be deleterious by in silico analysis. This variant is considered to be rare based on population cohorts in the Genome Aggregation Database (gnomAD). Based on the supporting evidence, this variant is interpreted as a disease-causing mutation.

PreventionGenetics, part of Exact Sciences
Classification: Pathogenic for FBN1-related condition. Last evaluated: 2023-05-26. Review status: criteria provided, single submitter. Criteria: ACMG Guidelines, 2015. Collection method: clinical testing. Allele origin: germline.
Comment: The FBN1 c.6388G>A variant is predicted to result in the amino acid substitution p.Glu2130Lys. This variant was reported in numerous individuals with Marfan syndrome, including at least one case confirmed to have occurred de novo (Tjeldhorn et al. 2006. PubMed ID: 17253931; Table S1, Li et al. 2019. PubMed ID: 31098894; Vanem et al. 2020. PubMed ID: 31825148; Zhao et al. 2020. PubMed ID: 32209317; Supplementary Data, Stark et al. 2020. PubMed ID: 32679894). This variant has not been reported in a large population database, indicating this variant is rare. This variant is interpreted as pathogenic.

3billion
Classification: Pathogenic for Marfan syndrome. Last evaluated: 2022-01-03. Review status: criteria provided, single submitter. Criteria: ACMG Guidelines, 2015. Collection method: clinical testing. Allele origin: germline. Affected: yes. Observed: 1 heterozygote.
Comment: The variant was co-segregated with Marfan syndrome in multiple affected family members with additional meioses meeting strong evidence levels (PMID: 28098115, 29845260, 17253931, PP1_S). The variant has been observed in multiple (>3) similarly affected unrelated individuals(PMID: 28098115, 18435798, 17663468, 17253931, 19533785, PS4_S). In silico tool predictions suggest damaging effect of the variant on gene or gene product (REVEL: 0.974, 3CNET: 0.981, PP3_P). It is observed at an extremely low frequency in the gnomAD v2.1.1 dataset (total allele frequency: 0.000000, PM2_M). Therefore, this variant is classified as pathogenic according to the recommendation of ACMG/AMP guideline.